The following is an entry in ClinVar:

ClinVar aggregate classification (germline): Uncertain significance (1 of 4 stars; one submission).

Allele frequency attached by ClinVar (database versions not stated): TOPMed 0.00003.

Submission:

GeneDx
Classification: Uncertain significance. Last evaluated: 2022-10-05. Review status: criteria provided, single submitter. Criteria: GeneDx Variant Classification Process June 2021. Collection method: clinical testing. Allele origin: germline. Affected: yes.
Comment: Not observed at significant frequency in large population cohorts (gnomAD); In silico analysis supports that this missense variant does not alter protein structure/function; Has not been previously published as pathogenic or benign to our knowledge

NM_000489.6(ATRX):c.26G>A (p.Ser9Asn)

Gene: ATRX (ATRX chromatin remodeler; minus strand). Cytogenetic location: Xq21.1.
Variant type: single nucleotide variant.
Coding change: c.26G>A on transcript NM_000489.6 (MANE Select); coding-DNA position 26, G replaced by A.
Protein change: p.Ser9Asn; replaces serine 9 with asparagine.
Molecular consequence: missense variant.
Genome position (GRCh38, 1-based): chrX:77,717,238, C>T on the plus strand (G>A on the coding strand, the complement: ATRX is on the minus strand). VCF-style: chrX-77717238-C-T. GRCh37 (hg19) VCF-style: chrX-76972715-C-T.
Other names: c.26G>A, p.Ser9Asn (NM_138270.5); short protein forms S9N.
Identifiers: ClinVar variation 2497822 (VCV002497822.1), dbSNP rs1237969366, ClinGen allele CA413724772.
Genomic context (GRCh38, chrX:77,717,238, plus strand): 5'-GATTCTTCTGATGAGTGTGCAAGGAAGTCATGAAGCTTCTGCACCAATGTATTCAACTTG[C>T]TTTCACTATTAAAACAAAATTTAAAGAATTCCCTTAATTAGCCTTTCATGTTTTAAATTA-3'
Protein context (NP_000480.3, residues 1-19): MTAEPMSE[Ser9Asn]KLNTLVQKLH